The following is an entry in ClinVar:

ClinVar aggregate classification (germline): Pathogenic (1 of 4 stars; one submission).

Conditions:
Nephronophthisis. Also called: Juvenile Nephronophthisis. Identifiers: Orphanet 655, MedGen C0687120, MONDO:0019005, HP:0000090.

Submission:

Labcorp Genetics (formerly Invitae), Labcorp
Classification: Pathogenic for Nephronophthisis. Last evaluated: 2023-01-25. Review status: criteria provided, single submitter. Criteria: Invitae Variant Classification Sherloc (09022015). Collection method: clinical testing. Allele origin: germline.
Comment: For these reasons, this variant has been classified as Pathogenic. This sequence change creates a premature translational stop signal (p.Arg7*) in the NPHP1 gene. It is expected to result in an absent or disrupted protein product. Loss-of-function variants in NPHP1 are known to be pathogenic (PMID: 23559409). This variant is not present in population databases (gnomAD no frequency). This variant has not been reported in the literature in individuals affected with NPHP1-related conditions.

Literature cited by the submitters: PubMed 23559409.

NM_001128178.3(NPHP1):c.19C>T (p.Arg7Ter)

Gene: NPHP1 (nephrocystin 1; minus strand). Cytogenetic location: 2q13.
Variant type: single nucleotide variant.
Coding change: c.19C>T on transcript NM_001128178.3 (MANE Select); coding-DNA position 19, C replaced by T.
Protein change: p.Arg7Ter; replaces arginine 7 with a stop codon.
Molecular consequence: nonsense.
Genome position (GRCh38, 1-based): chr2:110,204,950, G>A on the plus strand (C>T on the coding strand, the complement: NPHP1 is on the minus strand). VCF-style: chr2-110204950-G-A. GRCh37 (hg19) VCF-style: chr2-110962527-G-A.
Other names: c.19C>T, p.Arg7Ter (NM_000272.5, NM_001128179.3, NM_001374256.1 and 2 more transcripts); short protein forms R7*.
Identifiers: ClinVar variation 2831839 (VCV002831839.3), dbSNP rs759193940, ClinGen allele CA348094331.